The following is an entry in ClinVar:

ClinVar aggregate classification (germline): Likely pathogenic (1 of 4 stars; one submission).

Submission:

Labcorp Genetics (formerly Invitae), Labcorp
Classification: Likely pathogenic. Last evaluated: 2020-02-10. Review status: criteria provided, single submitter. Criteria: Invitae Variant Classification Sherloc (09022015). Collection method: clinical testing. Allele origin: germline.
Comment: This variant is not present in population databases (ExAC no frequency). This variant has not been reported in the literature in individuals with COL7A1-related conditions. Algorithms developed to predict the effect of sequence changes on RNA splicing suggest that this variant may disrupt the consensus splice site, but this prediction has not been confirmed by published transcriptional studies. Donor and acceptor splice site variants typically lead to a loss of protein function (PMID: 16199547), and loss-of-function variants in COL7A1 are known to be pathogenic (PMID: 16971478). In summary, the currently available evidence indicates that the variant is pathogenic, but additional data are needed to prove that conclusively. Therefore, this variant has been classified as Likely Pathogenic. This sequence change affects a donor splice site in intron 41 of the COL7A1 gene. It is expected to disrupt RNA splicing and likely results in an absent or disrupted protein product.

Literature cited by the submitters: PubMed 16199547; PubMed 16971478.

NM_000094.4(COL7A1):c.4437+1G>C

Gene: COL7A1 (collagen type VII alpha 1 chain; minus strand). Cytogenetic location: 3p21.31.
Variant type: single nucleotide variant.
Coding change: c.4437+1G>C on transcript NM_000094.4 (MANE Select); the canonical splice donor site of the intron after coding-DNA position 4437, G replaced by C.
Molecular consequence: splice donor variant.
Genome position (GRCh38, 1-based): chr3:48,583,392, C>G on the plus strand (G>C on the coding strand, the complement: COL7A1 is on the minus strand). VCF-style: chr3-48583392-C-G. GRCh37 (hg19) VCF-style: chr3-48620825-C-G.
Identifiers: ClinVar variation 1067317 (VCV001067317.5), dbSNP rs2107725932, ClinGen allele CA352691654.